The following is an entry in ClinVar:

ClinVar aggregate classification (germline): Uncertain significance (1 of 4 stars; one submission).

Allele frequency attached by ClinVar (database versions not stated): gnomAD exomes below 0.00001.
gnomAD v4.1: 1 of 1,613,418 alleles (0.000062%); highest among the groups gnomAD compares: Non-Finnish European, 0.000085%; no homozygotes.

Submission:

Labcorp Genetics (formerly Invitae), Labcorp
Classification: Uncertain significance. Last evaluated: 2023-08-04. Review status: criteria provided, single submitter. Criteria: Invitae Variant Classification Sherloc (09022015). Collection method: clinical testing. Allele origin: germline.
Comment: Experimental studies and prediction algorithms are not available or were not evaluated, and the functional significance of this variant is currently unknown. ClinVar contains an entry for this variant (Variation ID: 2105315). This variant has not been reported in the literature in individuals affected with PCLO-related conditions. This variant is not present in population databases (gnomAD no frequency). This sequence change replaces aspartic acid, which is acidic and polar, with glycine, which is neutral and non-polar, at codon 4211 of the PCLO protein (p.Asp4211Gly). In summary, the available evidence is currently insufficient to determine the role of this variant in disease. Therefore, it has been classified as a Variant of Uncertain Significance.

NM_033026.6(PCLO):c.12632A>G (p.Asp4211Gly)

Gene: PCLO (piccolo presynaptic cytomatrix protein; minus strand). Cytogenetic location: 7q21.11.
Variant type: single nucleotide variant.
Coding change: c.12632A>G on transcript NM_033026.6 (MANE Select); coding-DNA position 12632, A replaced by G.
Protein change: p.Asp4211Gly; replaces aspartic acid 4211 with glycine.
Molecular consequence: missense variant.
Genome position (GRCh38, 1-based): chr7:82,915,354, T>C on the plus strand (A>G on the coding strand, the complement: PCLO is on the minus strand). VCF-style: chr7-82915354-T-C. GRCh37 (hg19) VCF-style: chr7-82544670-T-C.
Other names: c.12632A>G, p.Asp4211Gly (NM_014510.3); short protein forms D4211G.
Identifiers: ClinVar variation 2105315 (VCV002105315.4), dbSNP rs2535548540, ClinGen allele CA367887058.